The following is an entry in ClinVar:

ClinVar aggregate classification (germline): Uncertain significance (1 of 4 stars; one submission).

Conditions:
Fanconi anemia (FA). Also called: Fanconi's anemia. Identifiers: Orphanet 84, MedGen C0015625, MeSH D005199, MONDO:0019391.

Allele frequency attached by ClinVar (database versions not stated): gnomAD exomes below 0.00001.
gnomAD v4.1: 1 of 1,614,146 alleles (0.000062%); highest among the groups gnomAD compares: East Asian, 0.0022%; no homozygotes.

Submission:

Labcorp Genetics (formerly Invitae), Labcorp
Classification: Uncertain significance for Fanconi anemia. Last evaluated: 2023-03-31. Review status: criteria provided, single submitter. Criteria: Invitae Variant Classification Sherloc (09022015). Collection method: clinical testing. Allele origin: germline.
Comment: This variant has not been reported in the literature in individuals affected with FANCC-related conditions. Advanced modeling of protein sequence and biophysical properties (such as structural, functional, and spatial information, amino acid conservation, physicochemical variation, residue mobility, and thermodynamic stability) performed at Invitae indicates that this missense variant is expected to disrupt FANCC protein function. In summary, the available evidence is currently insufficient to determine the role of this variant in disease. Therefore, it has been classified as a Variant of Uncertain Significance. This variant is present in population databases (no rsID available, gnomAD 0.006%). This sequence change replaces tryptophan, which is neutral and slightly polar, with glycine, which is neutral and non-polar, at codon 424 of the FANCC protein (p.Trp424Gly).

NM_000136.3(FANCC):c.1270T>G (p.Trp424Gly)

Genes: AOPEP (aminopeptidase O (putative); plus strand), FANCC (FA complementation group C; minus strand). Cytogenetic location: 9q22.32.
Variant type: single nucleotide variant.
Coding change: c.1270T>G on transcript NM_000136.3 (MANE Select); coding-DNA position 1270, T replaced by G.
Protein change: p.Trp424Gly; replaces tryptophan 424 with glycine.
Molecular consequence: missense variant.
Genome position (GRCh38, 1-based): chr9:95,111,522, A>C on the plus strand (T>G on the coding strand, the complement: FANCC is on the minus strand). VCF-style: chr9-95111522-A-C. GRCh37 (hg19) VCF-style: chr9-97873804-A-C.
Other names: c.1270T>G, p.Trp424Gly (NM_001243743.2, NM_001243744.2); short protein forms W424G.
Identifiers: ClinVar variation 2851105 (VCV002851105.3), dbSNP rs1471892035, ClinGen allele CA374107344.